The following is an entry in ClinVar:

NM_005340.7(HINT1):c.110G>C (p.Arg37Pro)

Gene: HINT1 (histidine triad nucleotide binding protein 1; minus strand). Cytogenetic location: 5q23.3.
Variant type: single nucleotide variant.
Coding change: c.110G>C on transcript NM_005340.7 (MANE Select); coding-DNA position 110, G replaced by C.
Protein change: p.Arg37Pro; replaces arginine 37 with proline.
Molecular consequence: missense variant. On other transcripts: non-coding transcript variant (5).
Genome position (GRCh38, 1-based): chr5:131,165,096, C>G on the plus strand (G>C on the coding strand, the complement: HINT1 is on the minus strand). VCF-style: chr5-131165096-C-G. GRCh37 (hg19) VCF-style: chr5-130500789-C-G.
Other names: c.110G>C (NM_005340.5); short protein forms R37P.
Identifiers: ClinVar variation 37312 (VCV000037312.94), dbSNP rs149782619, ClinGen allele CA130158.

ClinVar aggregate classification (germline): Pathogenic. Review status: criteria provided, multiple submitters, no conflicts (2 of 4 stars). 20 submissions from 20 submitters: Pathogenic (18). 2 of the submissions do not count toward it. Last evaluated 2026-04-24.

Conditions:
HINT1-related disorder. Also called: HINT1-related condition.
Inborn genetic diseases. Identifiers: MedGen C0950123, MeSH D030342.
HINT1-related disorders.
Autosomal recessive axonal neuropathy with neuromyotonia (NMAN). Also called: Neuromyotonia and axonal neuropathy, autosomal recessive; Gamstorp-Wohlfart syndrome; MYOKYMIA, MYOTONIA, AND MUSCLE WASTING. Identifiers: Orphanet 324442, MedGen C5700127, MONDO:0007646, OMIM 137200.
Peripheral neuropathy. Also called: Neuropathy. Identifiers: MedGen C0031117, MONDO:0005244, HP:0009830.

Allele frequency attached by ClinVar (database versions not stated): 1000 Genomes Project 0.00020; TOPMed 0.00010; 1000 Genomes Project 30x 0.00016; ESP Exome Variant Server 0.00015; ExAC 0.00025; gnomAD 0.00064; gnomAD exomes 0.00026.
gnomAD v4.1: 358 of 1,613,686 alleles (0.022%); highest among the groups gnomAD compares: Non-Finnish European, 0.025%; no homozygotes.

Submissions (20):

PreventionGenetics, part of Exact Sciences
Classification: Pathogenic for HINT1-related condition. Last evaluated: 2026-04-24. Review status: criteria provided, single submitter. Criteria: ACMG Guidelines, 2015. Collection method: clinical testing. Allele origin: germline.
Comment: The HINT1 c.110G>C variant is predicted to result in the amino acid substitution p.Arg37Pro. This variant has previously been reported in the homozygous or compound heterozygous state in multiple unrelated individuals to be causative for autosomal recessive axonal neuropathy with neuromyotonia (Zimon et al. 2012. PubMedID: 22961002; Laššuthová et al. 2015. PubMedID: 25342199). This variant is reported in 0.089% of alleles in individuals of European (Finnish) descent in gnomAD. This variant is interpreted as pathogenic.

Labcorp Genetics (formerly Invitae), Labcorp
Classification: Pathogenic for Autosomal recessive axonal neuropathy with neuromyotonia. Last evaluated: 2026-01-20. Review status: criteria provided, single submitter. Criteria: Invitae Variant Classification Sherloc (09022015). Collection method: clinical testing. Allele origin: germline.
Comment: This sequence change replaces arginine, which is basic and polar, with proline, which is neutral and non-polar, at codon 37 of the HINT1 protein (p.Arg37Pro). This variant is present in population databases (rs149782619, gnomAD 0.09%). This missense change has been observed in individuals with clinical features of distal hereditary motor neuropathy (PMID: 22961002, 25342199, 26182879, 27549087). It has also been observed to segregate with disease in related individuals. ClinVar contains an entry for this variant (Variation ID: 37312). An algorithm developed to predict the effect of missense changes on protein structure and function (PolyPhen-2) suggests that this variant is likely to be tolerated. For these reasons, this variant has been classified as Pathogenic.

Institute of Human Genetics, Heidelberg University
Classification: Pathogenic for Autosomal recessive axonal neuropathy with neuromyotonia. Last evaluated: 2025-11-27. Review status: criteria provided, single submitter. Criteria: ACMG Guidelines, 2015. Collection method: clinical testing. Allele origin: unknown. Affected: yes. Observed: 1 variant allele.
Comment: PM2_supp, PM3_vs, PS3_str, PP4_supp

3billion
Classification: Pathogenic for Autosomal recessive axonal neuropathy with neuromyotonia. Last evaluated: 2025-08-22. Review status: criteria provided, single submitter. Criteria: ACMG Guidelines, 2015. Collection method: clinical testing. Allele origin: germline. Affected: yes.
Comment: The variant is observed at an extremely low frequency in the gnomAD v4.1.0 dataset (total allele frequency: 0.022%). Predicted Consequence/Location: Missense variant In silico tool predictions suggest damaging effect of the variant on gene or gene product [3Cnet: 0.98 (> 0.75, sensitivity 0.96 and precision 0.92)]. The same nucleotide change resulting in the same amino acid change has been previously reported as pathogenic/likely pathogenic with strong evidence (ClinVar ID: VCV000037312 /PMID: 22961002 /3billion dataset). The variant has been reported to be in trans with a pathogenic variant as either compound heterozygous or homozygous in at least 4 similarly affected unrelated individuals (PMID: 22961002, 26182879, 27549087). Therefore, this variant is classified as Pathogenic according to the recommendation of ACMG/AMP guideline.

CeGaT Center for Human Genetics Tuebingen
Classification: Pathogenic. Last evaluated: 2025-05-01. Review status: criteria provided, single submitter. Criteria: CeGaT Center For Human Genetics Tuebingen Variant Classification Criteria Version 2. Collection method: clinical testing. Allele origin: germline. Affected: yes. Observed: 14 variant alleles.
Comment: HINT1: PM3:Very Strong, PP1:Strong, PM2, PS3:Supporting

Laboratory of Genetics, Children's Clinical University Hospital Latvia
Classification: Pathogenic. Last evaluated: 2025-02-16. Review status: criteria provided, single submitter. Criteria: ACMG Guidelines, 2015. Collection method: clinical testing. Allele origin: germline. Affected: yes.

Blueprint Genetics
Classification: Pathogenic for HINT1-related disorders. Last evaluated: 2024-11-25. Review status: criteria provided, single submitter. Criteria: ACMG Guidelines, 2015. Collection method: clinical testing. Allele origin: germline. Affected: yes. Observed: 5 variant alleles.

Institute of Human Genetics, University of Leipzig Medical Center
Classification: Pathogenic for Autosomal recessive axonal neuropathy with neuromyotonia. Last evaluated: 2024-08-02. Review status: criteria provided, single submitter. Criteria: ACMG Guidelines, 2015. Collection method: clinical testing. Allele origin: unknown. Inheritance: Autosomal recessive inheritance. Affected: yes.
Comment: Criteria applied: PM3_VSTR,PS4_SUP,PM2_SUP

Fulgent Genetics
Classification: Pathogenic for Autosomal recessive axonal neuropathy with neuromyotonia. Last evaluated: 2024-06-13. Review status: criteria provided, single submitter. Criteria: ACMG Guidelines, 2015. Collection method: clinical testing. Allele origin: germline.

Institute of Medical Genetics and Applied Genomics, University Hospital Tübingen
Classification: Pathogenic for Autosomal recessive axonal neuropathy with neuromyotonia. Last evaluated: 2023-11-14. Review status: criteria provided, single submitter. Criteria: ACMG Guidelines, 2015. Collection method: clinical testing. Allele origin: germline. Inheritance: Autosomal recessive inheritance. Affected: yes.

Revvity Omics, Revvity
Classification: Pathogenic for Autosomal recessive axonal neuropathy with neuromyotonia. Last evaluated: 2023-06-23. Review status: criteria provided, single submitter. Criteria: ACMG Guidelines, 2015. Collection method: clinical testing. Allele origin: germline.

GeneDx
Classification: Pathogenic. Last evaluated: 2022-12-19. Review status: criteria provided, single submitter. Criteria: GeneDx Variant Classification Process June 2021. Collection method: clinical testing. Allele origin: germline. Affected: yes.
Comment: Published functional studies demonstrate loss of enzyme function in the homozygous state (Zimon et al., 2012); Reported as a founder mutation in the Czech population, accounting for 95% of pathogenic alleles (Lassuthova et al., 2015).; In silico analysis, which includes protein predictors and evolutionary conservation, supports that this variant does not alter protein structure/function; This variant is associated with the following publications: (PMID: 26182879, 32709422, 22961002, 24918641, 25342199, 26194197, 23043279, 27549087, 29787766, 31787464, 31848916, 34562060, 33726816, 34694653, 33663550)

Ambry Genetics
Classification: Pathogenic for Inborn genetic diseases. Last evaluated: 2022-11-23. Review status: criteria provided, single submitter. Criteria: Ambry Variant Classification Scheme 2023. Collection method: clinical testing. Allele origin: germline.
Comment: The c.110G>C (p.R37P) alteration is located in exon 1 (coding exon 1) of the HINT1 gene. This alteration results from a G to C substitution at nucleotide position 110, causing the arginine (R) at amino acid position 37 to be replaced by a proline (P). Based on data from the Genome Aggregation Database (gnomAD), the HINT1 c.110G>C alteration was observed in 0.03% (85/281,678) of total alleles studied. The p.R37P alteration, one of three founder mutations and considered to be the most common, has been reported in homozygous and compound heterozygous individuals with autosomal recessive axonal neuropathy with neuromyotonia (Zimo, 2012; La&scaron;&scaron;uthov&aacute;, 2015; Jerath, 2015; Shchagina, 2020). This amino acid position is poorly conserved in available vertebrate species. Protein contain p.R37P fails to form functional dimers and exists as monomers, which showed significant loss of secondary structure compared to wild type and showed reduced near UV-absorption indicating incorrect or improper folding (Shah, 2018). This alteration is predicted to be tolerated by in silico analysis. Based on the available evidence, this alteration is classified as pathogenic.

MGZ Medical Genetics Center
Classification: Pathogenic for Autosomal recessive axonal neuropathy with neuromyotonia. Last evaluated: 2022-09-06. Review status: criteria provided, single submitter. Criteria: ACMG Guidelines, 2015. Collection method: clinical testing. Allele origin: germline. Affected: yes. Observed: 3 variant alleles.
Comment: ACMG criteria applied: PM3_VSTR, PS4_MOD, PS3_SUP, PM2_SUP, PP1

Kariminejad - Najmabadi Pathology & Genetics Center
Classification: Pathogenic for Peripheral neuropathy. Last evaluated: 2021-07-10. Review status: criteria provided, single submitter. Criteria: ACMG Guidelines, 2015. Collection method: clinical testing. Allele origin: germline. Affected: yes.

Centre for Mendelian Genomics, University Medical Centre Ljubljana
Classification: Pathogenic for Autosomal recessive axonal neuropathy with neuromyotonia. Last evaluated: 2019-10-02. Review status: criteria provided, single submitter. Criteria: ACMG Guidelines, 2015. Collection method: clinical testing. Allele origin: unknown. Affected: yes.
Comment: This variant was classified as: Pathogenic. The following ACMG criteria were applied in classifying this variant: PM1,PP2,PP5.

Clinical Genetics Service, Universitary Hospital 12 de Octubre
Classification: Pathogenic for Autosomal recessive axonal neuropathy with neuromyotonia. Review status: criteria provided, single submitter. Criteria: ACMG Guidelines, 2015. Collection method: clinical testing. Allele origin: germline. Affected: yes.

Neuberg Centre For Genomic Medicine, NCGM
Classification: Pathogenic for Autosomal recessive axonal neuropathy with neuromyotonia. Review status: criteria provided, single submitter. Criteria: ACMG Guidelines, 2015. Collection method: clinical testing. Allele origin: germline. Inheritance: Autosomal recessive inheritance. Affected: yes.
Comment: The observed missense c.110G>C (p.Arg37Pro) variant in HINT1 gene has been reported previously in homozygous and compound heterozygous states in multiple individuals affected with neuromyotonia and axonal neuropathy (Zimon et al., 2012; Laššuthová et al., 2015; Jerath et al., 2015; Laššuthová et al., 2016). It has also been observed to segregate with disease in related individuals. Functional studies demonstrate this variant to cause loss of enzyme function (Zimon et al., 2012). This variant is present with allele frequency of 0.03% in gnomAD Exomes. This variant has been submitted to the ClinVar database as Pathogenic (multiple submissions). Computational evidence (Polyphen - Benign, SIFT - Tolerated and MutationTaster - Disease causing) predicts conflicting evidence on protein structure and function for this variant. The reference amino acid of p.Arg37Pro in HINT1 is predicted as conserved by PhyloP across 100 vertebrates. The amino acid Arg at position 37 is changed to a Pro changing protein sequence and it might alter its composition and physico-chemical properties. For these reasons, this variant has been classified as Pathogenic.

Institute of Human Genetics, Cologne University
Classification: Pathogenic for Autosomal recessive axonal neuropathy with neuromyotonia. Last evaluated: 2018-04-25. Review status: no assertion criteria provided. Collection method: clinical testing. Allele origin: germline. Affected: yes. Not counted in ClinVar's aggregate classification.

OMIM
Classification: Pathogenic for NEUROMYOTONIA AND AXONAL NEUROPATHY, AUTOSOMAL RECESSIVE. Last evaluated: 2012-10-01. Review status: no assertion criteria provided. Collection method: literature only. Allele origin: germline. Not counted in ClinVar's aggregate classification.

Literature cited by the submitters: PubMed 22961002 (cited by 4 submitters); PubMed 25342199 (cited by Labcorp Genetics (formerly Invitae), Labcorp and Ambry Genetics); PubMed 26182879 (cited by 3 submitters); PubMed 27549087 (cited by Labcorp Genetics (formerly Invitae), Labcorp and 3billion); PubMed 29787766 (cited by Ambry Genetics); PubMed 31848916 (cited by Ambry Genetics); PubMed 34694653 (cited by OMIM).